The following is an entry in ClinVar:

NM_001080414.4(CCDC88C):c.21G>A (p.Glu7=)

Genes: CCDC88C (coiled-coil and HOOK domain protein 88C; minus strand), LOC130056326 (ATAC-STARR-seq lymphoblastoid silent region 6026; plus strand). Cytogenetic location: 14q32.12.
Variant type: single nucleotide variant.
Coding change: c.21G>A on transcript NM_001080414.4 (MANE Select); coding-DNA position 21, G replaced by A.
Protein change: p.Glu7=; no amino-acid change (glutamic acid 7 retained).
Molecular consequence: synonymous variant.
Genome position (GRCh38, 1-based): chr14:91,417,670, C>T on the plus strand (G>A on the coding strand, the complement: CCDC88C is on the minus strand). VCF-style: chr14-91417670-C-T. GRCh37 (hg19) VCF-style: chr14-91884014-C-T.
Identifiers: ClinVar variation 724106 (VCV000724106.10), dbSNP rs201389077, ClinGen allele CA7310424.
Genomic context (GRCh38, chr14:91,417,670, plus strand): 5'-CGGGGAGCCAGGCGCACTCACCCAGGTCACCAGCGGGCTCTGCAGGAAGAGCTCCAGGAG[C>T]TCCGAGACTGTCACGTCCATGCTGAGGCTGCGCCCGCCGGCTCCGCGCCCCCCGCCCCGC-3'
Protein context (NP_001073883.2, residues 1-17): MDVTVS[Glu7=]LLELFLQSPL

ClinVar aggregate classification (germline): Benign/Likely benign. Review status: criteria provided, multiple submitters, no conflicts (2 of 4 stars). 4 submissions from 4 submitters: Benign (2); Likely benign (1). 1 of the submissions does not count toward it. Last evaluated 2026-01-28.

Conditions:
CCDC88C-related disorder. Also called: CCDC88C-related condition; CCDC88C-Related Disorders.

Allele frequency attached by ClinVar (database versions not stated): gnomAD exomes 0.00011 and 0.00026; ExAC 0.00057; 1000 Genomes Project 30x 0.00078; 1000 Genomes Project 0.00080; ESP Exome Variant Server 0.00092; TOPMed 0.00121; gnomAD 0.00126 and 0.00138.
gnomAD v4.1: 356 of 1,583,390 alleles (0.022%); highest among the groups gnomAD compares: African/African-American, 0.45%; 3 homozygotes.

Submissions (4):

Labcorp Genetics (formerly Invitae), Labcorp
Classification: Benign. Last evaluated: 2026-01-28. Review status: criteria provided, single submitter. Criteria: Invitae Variant Classification Sherloc (09022015). Collection method: clinical testing. Allele origin: germline.

Blueprint Genetics
Classification: Likely benign. Last evaluated: 2022-05-04. Review status: criteria provided, single submitter. Criteria: ACMG Guidelines, 2015. Collection method: clinical testing. Allele origin: germline.

Breakthrough Genomics
Classification: Benign. Review status: criteria provided, single submitter. Criteria: ACMG Guidelines, 2015. Collection method: not provided. Allele origin: germline. Inheritance: Autosomal recessive inheritance. Affected: yes.

PreventionGenetics, part of Exact Sciences
Classification: Likely benign for CCDC88C-related condition. Last evaluated: 2019-05-03. Review status: no assertion criteria provided. Collection method: clinical testing. Allele origin: germline. Not counted in ClinVar's aggregate classification.
Comment: This variant is classified as likely benign based on ACMG/AMP sequence variant interpretation guidelines (Richards et al. 2015 PMID: 25741868, with internal and published modifications).